The following is an entry in ClinVar:

ClinVar aggregate classification (germline): Pathogenic (1 of 4 stars; one submission).

Conditions:
Peutz-Jeghers syndrome (PJS). Also called: POLYPOSIS, HAMARTOMATOUS INTESTINAL; POLYPS-AND-SPOTS SYNDROME; Peutz-Jeghers polyposis; Periorificial lentiginosis syndrome. Identifiers: Orphanet 2869, MedGen C0031269, MeSH D010580, MONDO:0008280, OMIM 175200.

Submission:

Labcorp Genetics (formerly Invitae), Labcorp
Classification: Pathogenic for Peutz-Jeghers syndrome. Last evaluated: 2021-04-09. Review status: criteria provided, single submitter. Criteria: Invitae Variant Classification Sherloc (09022015). Collection method: clinical testing. Allele origin: germline.
Comment: This variant is a gross deletion of the genomic region encompassing exon(s) 1-8 of the STK11 gene, which includes the initiator codon. The 5' end of this event is unknown as it extends beyond the assayed region for this gene and therefore may encompass additional genes. The 3' boundary is likely confined to intron 8 of the STK11 gene. It is expected to result in an absent or disrupted protein product. Loss-of-function variants in STK11 are known to be pathogenic (PMID: 15188174, 16287113). This variant has not been reported in the literature in individuals with STK11-related conditions. For these reasons, this variant has been classified as Pathogenic.

Literature cited by the submitters: PubMed 15188174; PubMed 16287113.

NC_000019.9:g.(?_1206913)_(1223181_?)del

Gene: STK11 (serine/threonine kinase 11; plus strand). Cytogenetic location: 19p13.3.
Variant type: Deletion.
Identifiers: ClinVar variation 1457542 (VCV001457542.3).